The following is an entry in ClinVar:

ClinVar aggregate classification (germline): Uncertain significance (1 of 4 stars; one submission).

Conditions:
Inborn genetic diseases. Identifiers: MedGen C0950123, MeSH D030342.

Submission:

Ambry Genetics
Classification: Uncertain significance for Inborn genetic diseases. Last evaluated: 2025-05-03. Review status: criteria provided, single submitter. Criteria: Ambry Variant Classification Scheme 2023. Collection method: clinical testing. Allele origin: germline.
Comment: The p.A66V variant (also known as c.197C>T), located in coding exon 3 of the RUNX1 gene, results from a C to T substitution at nucleotide position 197. The alanine at codon 66 is replaced by valine, an amino acid with similar properties. This amino acid position is well conserved in available vertebrate species. In addition, the in silico prediction for this alteration is inconclusive. Based on the available evidence, the clinical significance of this variant remains unclear.

NM_001754.5(RUNX1):c.197C>T (p.Ala66Val)

Gene: RUNX1 (RUNX family transcription factor 1; minus strand). Cytogenetic location: 21q22.12.
Variant type: single nucleotide variant.
Coding change: c.197C>T on transcript NM_001754.5 (MANE Select); coding-DNA position 197, C replaced by T.
Protein change: p.Ala66Val; replaces alanine 66 with valine.
Molecular consequence: missense variant.
Genome position (GRCh38, 1-based): chr21:34,886,997, G>A on the plus strand (C>T on the coding strand, the complement: RUNX1 is on the minus strand). VCF-style: chr21-34886997-G-A. GRCh37 (hg19) VCF-style: chr21-36259294-G-A.
Other names: c.116C>T, p.Ala39Val (NM_001001890.3, NM_001122607.2); short protein forms A66V, A39V.
Identifiers: ClinVar variation 3948863 (VCV003948863.1).